The following is an entry in ClinVar:

NM_002693.3(POLG):c.2266-227A>G

Gene: POLG (DNA polymerase gamma, catalytic subunit; minus strand). Cytogenetic location: 15q26.1.
Variant type: single nucleotide variant.
Coding change: c.2266-227A>G on transcript NM_002693.3 (MANE Select); 227 bases into the intron before coding-DNA position 2266, A replaced by G.
Molecular consequence: intron variant.
Genome position (GRCh38, 1-based): chr15:89,323,129, T>C on the plus strand (A>G on the coding strand, the complement: POLG is on the minus strand). VCF-style: chr15-89323129-T-C. GRCh37 (hg19) VCF-style: chr15-89866360-T-C.
Other names: c.2266-227A>G (NM_001126131.2).
Identifiers: ClinVar variation 677350 (VCV000677350.1), dbSNP rs16943057, ClinGen allele CA274549047.

ClinVar aggregate classification (germline): Benign (1 of 4 stars; one submission).

Allele frequency attached by ClinVar (database versions not stated): gnomAD 0.04042 and 0.04329; TOPMed 0.04466; 1000 Genomes Project 0.04573; 1000 Genomes Project 30x 0.04669.
gnomAD v4.1: 6,093 of 152,236 alleles (4%); highest among the groups gnomAD compares: African/African-American, 14%; 385 homozygotes.

Submission:

GeneDx
Classification: Benign. Last evaluated: 2018-06-14. Review status: criteria provided, single submitter. Criteria: GeneDx Variant Classification (06012015). Collection method: clinical testing. Allele origin: germline. Affected: yes.
Comment: This variant is considered likely benign or benign based on one or more of the following criteria: it is a conservative change, it occurs at a poorly conserved position in the protein, it is predicted to be benign by multiple in silico algorithms, and/or has population frequency not consistent with disease.